The following is an entry in ClinVar:

ClinVar aggregate classification (germline): Uncertain significance. Review status: criteria provided, multiple submitters, no conflicts (2 of 4 stars). 2 submissions from 2 submitters: Uncertain significance (2). Last evaluated 2025-07-27.

Conditions:
Hereditary cancer-predisposing syndrome. Also called: Neoplastic Syndromes, Hereditary; Tumor predisposition; Hereditary Cancer Syndrome; Hereditary neoplastic syndrome. Identifiers: Orphanet 140162, MedGen C0027672, MeSH D009386, MONDO:0015356.
Ataxia-telangiectasia syndrome (AT). Also called: LOUIS-BAR SYNDROME; Cerebello-oculocutaneous telangiectasia; Immunodeficiency with ataxia telangiectasia; Ataxia-telangiectasia, complementation group D; AT, COMPLEMENTATION GROUP C; ATAXIA-TELANGIECTASIA, COMPLEMENTATION GROUP A. Identifiers: Orphanet 100, MedGen C0004135, MONDO:0008840, OMIM 208900.

Submissions (2):

Labcorp Genetics (formerly Invitae), Labcorp
Classification: Uncertain significance for Ataxia-telangiectasia syndrome. Last evaluated: 2025-07-27. Review status: criteria provided, single submitter. Criteria: Invitae Variant Classification Sherloc (09022015). Collection method: clinical testing. Allele origin: germline.
Comment: This sequence change replaces lysine, which is basic and polar, with glutamine, which is neutral and polar, at codon 385 of the ATM protein (p.Lys385Gln). This variant is not present in population databases (gnomAD no frequency). This variant has not been reported in the literature in individuals affected with ATM-related conditions. ClinVar contains an entry for this variant (Variation ID: 1734573). Invitae Evidence Modeling of protein sequence and biophysical properties (such as structural, functional, and spatial information, amino acid conservation, physicochemical variation, residue mobility, and thermodynamic stability) indicates that this missense variant is not expected to disrupt ATM protein function with a negative predictive value of 95%. In summary, the available evidence is currently insufficient to determine the role of this variant in disease. Therefore, it has been classified as a Variant of Uncertain Significance.

Ambry Genetics
Classification: Uncertain significance for Hereditary cancer-predisposing syndrome. Last evaluated: 2021-08-15. Review status: criteria provided, single submitter. Criteria: Ambry Variant Classification Scheme 2023. Collection method: clinical testing. Allele origin: germline.
Comment: The p.K385Q variant (also known as c.1153A>C), located in coding exon 8 of the ATM gene, results from an A to C substitution at nucleotide position 1153. The lysine at codon 385 is replaced by glutamine, an amino acid with similar properties. This amino acid position is conserved. In addition, this alteration is predicted to be tolerated by in silico analysis. Since supporting evidence is limited at this time, the clinical significance of this alteration remains unclear.

NM_000051.4(ATM):c.1153A>C (p.Lys385Gln)

Gene: ATM (ATM serine/threonine kinase; plus strand). Cytogenetic location: 11q22.3.
Variant type: single nucleotide variant.
Coding change: c.1153A>C on transcript NM_000051.4 (MANE Select); coding-DNA position 1153, A replaced by C.
Protein change: p.Lys385Gln; replaces lysine 385 with glutamine.
Molecular consequence: missense variant.
Genome position (GRCh38, 1-based): chr11:108,249,020, A>C. VCF-style: chr11-108249020-A-C. GRCh37 (hg19) VCF-style: chr11-108119747-A-C.
Other names: c.1153A>C, p.Lys385Gln (NM_001351834.2); short protein forms K385Q.
Identifiers: ClinVar variation 1734573 (VCV001734573.2), dbSNP rs2079996194, ClinGen allele CA382532492.